The following is an entry in ClinVar:

NM_000264.5(PTCH1):c.286A>G (p.Lys96Glu)

Gene: PTCH1 (patched 1; minus strand). Cytogenetic location: 9q22.32.
Variant type: single nucleotide variant.
Coding change: c.286A>G on transcript NM_000264.5 (MANE Select); coding-DNA position 286, A replaced by G.
Protein change: p.Lys96Glu; replaces lysine 96 with glutamic acid.
Molecular consequence: missense variant. On other transcripts: 5 prime UTR variant (4), non-coding transcript variant (1).
Genome position (GRCh38, 1-based): chr9:95,506,515, T>C on the plus strand (A>G on the coding strand, the complement: PTCH1 is on the minus strand). VCF-style: chr9-95506515-T-C. GRCh37 (hg19) VCF-style: chr9-98268797-T-C.
Other names: c.286A>G (NM_000264.3); c.88A>G, p.Lys30Glu (NM_001083602.3, NM_001354919.2); c.283A>G, p.Lys95Glu (NM_001083603.3); c.-168A>G (NM_001083604.3, NM_001083605.3, NM_001083606.3 and 1 more transcripts); c.286A>G, p.Lys96Glu (NM_001354918.2); short protein forms K95E, K30E, K96E.
Identifiers: ClinVar variation 1443825 (VCV001443825.7), dbSNP rs532713234, ClinGen allele CA5138992.

ClinVar aggregate classification (germline): Conflicting classifications of pathogenicity. Review status: criteria provided, conflicting classifications (1 of 4 stars). 2 submissions from 2 submitters: Uncertain significance (1); Likely benign (1). Last evaluated 2025-04-07.

Conditions:
Hereditary cancer-predisposing syndrome. Also called: Tumor predisposition; Hereditary neoplastic syndrome; Hereditary Cancer Syndrome; Neoplastic Syndromes, Hereditary. Identifiers: Orphanet 140162, MedGen C0027672, MeSH D009386, MONDO:0015356.
Gorlin syndrome. Also called: Basal cell nevus syndrome; Nevoid Basal Cell Carcinoma Syndrome. Identifiers: Orphanet 377, MedGen C0004779, MONDO:0007187.

Allele frequency attached by ClinVar (database versions not stated): gnomAD exomes below 0.00001; ExAC 0.00001; gnomAD 0.00001; 1000 Genomes Project 30x 0.00016; 1000 Genomes Project 0.00020.
gnomAD v4.1: 3 of 1,613,784 alleles (0.00019%); highest among the groups gnomAD compares: African/African-American, 0.0013%; no homozygotes.

Submissions (2):

Labcorp Genetics (formerly Invitae), Labcorp
Classification: Likely benign for Gorlin syndrome. Last evaluated: 2025-04-07. Review status: criteria provided, single submitter. Criteria: Invitae Variant Classification Sherloc (09022015). Collection method: clinical testing. Allele origin: germline.

Ambry Genetics
Classification: Uncertain significance for Hereditary cancer-predisposing syndrome. Last evaluated: 2023-11-09. Review status: criteria provided, single submitter. Criteria: Ambry Variant Classification Scheme 2023. Collection method: clinical testing. Allele origin: germline.
Comment: The p.K96E variant (also known as c.286A>G), located in coding exon 2 of the PTCH1 gene, results from an A to G substitution at nucleotide position 286. The lysine at codon 96 is replaced by glutamic acid, an amino acid with similar properties. This amino acid position is conserved. In addition, this alteration is predicted to be deleterious by in silico analysis. Since supporting evidence is limited at this time, the clinical significance of this alteration remains unclear.